The following is an entry in ClinVar:

ClinVar aggregate classification (germline): Conflicting classifications of pathogenicity. Review status: criteria provided, conflicting classifications (1 of 4 stars). 3 submissions from 3 submitters: Likely pathogenic (1); Uncertain significance (2). Last evaluated 2024-12-13.

Conditions:
Inborn genetic diseases. Identifiers: MedGen C0950123, MeSH D030342.

Submissions (3):

Ambry Genetics
Classification: Uncertain significance for Inborn genetic diseases. Last evaluated: 2024-12-13. Review status: criteria provided, single submitter. Criteria: Ambry Variant Classification Scheme 2023. Collection method: clinical testing. Allele origin: germline.
Comment: The c.931T>C (p.Y311H) alteration is located in exon 8 (coding exon 8) of the EDA gene. This alteration results from a T to C substitution at nucleotide position 931, causing the tyrosine (Y) at amino acid position 311 to be replaced by a histidine (H). This variant was not reported in population-based cohorts in the Genome Aggregation Database (gnomAD). This amino acid position is highly conserved in available vertebrate species. This alteration is predicted to be deleterious by in silico analysis. Based on insufficient or conflicting evidence, the clinical significance of this alteration remains unclear.

Women's Health and Genetics/Laboratory Corporation of America, LabCorp
Classification: Uncertain significance. Last evaluated: 2023-11-30. Review status: criteria provided, single submitter. Criteria: LabCorp Variant Classification Summary - May 2015. Collection method: clinical testing. Allele origin: germline.
Comment: Variant summary: EDA c.931T>C (p.Tyr311His) results in a conservative amino acid change located in the Tumour necrosis factor domain (IPR006052) of the encoded protein sequence. Three of five in-silico tools predict a damaging effect of the variant on protein function. The variant was absent in 174781 control chromosomes (gnomAD). The available data on variant occurrences in the general population are insufficient to allow any conclusion about variant significance. To our knowledge, no occurrence of c.931T>C in individuals affected with Hypohidrotic X-Linked Ectodermal Dysplasia and no experimental evidence demonstrating its impact on protein function have been reported. One submitter has cited a clinical-significance assessment for this variant to ClinVar after 2014 and has classified the variant as likely pathogenic. Based on the evidence outlined above, the variant was classified as uncertain significance.

GeneDx
Classification: Likely pathogenic. Last evaluated: 2023-06-16. Review status: criteria provided, single submitter. Criteria: GeneDx Variant Classification Process June 2021. Collection method: clinical testing. Allele origin: germline. Affected: yes.
Comment: Not observed at a significant frequency in large population cohorts (gnomAD); In silico analysis, which includes protein predictors and evolutionary conservation, supports a deleterious effect; The majority of missense variants in this gene are considered pathogenic (HGMD); Has not been previously published as pathogenic or benign to our knowledge

NM_001399.5(EDA):c.931T>C (p.Tyr311His)

Gene: EDA (ectodysplasin A; plus strand). Cytogenetic location: Xq13.1.
Variant type: single nucleotide variant.
Coding change: c.931T>C on transcript NM_001399.5 (MANE Select); coding-DNA position 931, T replaced by C.
Protein change: p.Tyr311His; replaces tyrosine 311 with histidine.
Molecular consequence: missense variant.
Genome position (GRCh38, 1-based): chrX:70,035,364, T>C. VCF-style: chrX-70035364-T-C. GRCh37 (hg19) VCF-style: chrX-69255214-T-C.
Other names: c.925T>C, p.Tyr309His (NM_001005609.2); c.916T>C, p.Tyr306His (NM_001005612.3); short protein forms Y311H, Y306H, Y309H.
Identifiers: ClinVar variation 426389 (VCV000426389.4), dbSNP rs1085307599, ClinGen allele CA413449247.